The following is an entry in ClinVar:

ClinVar aggregate classification (germline): Uncertain significance. Review status: criteria provided, multiple submitters, no conflicts (2 of 4 stars). 3 submissions from 3 submitters: Uncertain significance (3). Last evaluated 2025-03-03.

Conditions:
Cardiovascular phenotype. Identifiers: MedGen CN230736.
Spinocerebellar ataxia type 19/22 (SCA19). Also called: SPINOCEREBELLAR ATAXIA 22; SPINOCEREBELLAR ATAXIA 19. Identifiers: Orphanet 98772, MedGen C1846367, MONDO:0011819, OMIM 607346.

Allele frequency attached by ClinVar (database versions not stated): gnomAD exomes below 0.00001 and 0.00001; TOPMed 0.00001; ExAC 0.00002; gnomAD 0.00002 and 0.00003; ESP Exome Variant Server 0.00015.

Submissions (3):

Ambry Genetics
Classification: Uncertain significance for Cardiovascular phenotype. Last evaluated: 2025-03-03. Review status: criteria provided, single submitter. Criteria: Ambry Variant Classification Scheme 2023. Collection method: clinical testing. Allele origin: germline.
Comment: The p.A144T variant (also known as c.430G>A), located in coding exon 1 of the KCND3 gene, results from a G to A substitution at nucleotide position 430. The alanine at codon 144 is replaced by threonine, an amino acid with similar properties. This amino acid position is well conserved in available vertebrate species; however, threonine is the reference amino acid in other vertebrate species. In addition, this alteration is predicted to be tolerated by in silico analysis. Since supporting evidence is limited at this time, the clinical significance of this alteration remains unclear.

Labcorp Genetics (formerly Invitae), Labcorp
Classification: Uncertain significance for Spinocerebellar ataxia type 19/22. Last evaluated: 2023-01-16. Review status: criteria provided, single submitter. Criteria: Invitae Variant Classification Sherloc (09022015). Collection method: clinical testing. Allele origin: germline.
Comment: This sequence change replaces alanine, which is neutral and non-polar, with threonine, which is neutral and polar, at codon 144 of the KCND3 protein (p.Ala144Thr). This variant is present in population databases (rs143933558, gnomAD 0.007%). This variant has not been reported in the literature in individuals affected with KCND3-related conditions. ClinVar contains an entry for this variant (Variation ID: 804955). Advanced modeling of protein sequence and biophysical properties (such as structural, functional, and spatial information, amino acid conservation, physicochemical variation, residue mobility, and thermodynamic stability) performed at Invitae indicates that this missense variant is not expected to disrupt KCND3 protein function. In summary, the available evidence is currently insufficient to determine the role of this variant in disease. Therefore, it has been classified as a Variant of Uncertain Significance.

Athena Diagnostics
Classification: Uncertain significance. Last evaluated: 2021-11-22. Review status: criteria provided, single submitter. Criteria: Athena Diagnostics Criteria. Collection method: clinical testing. Allele origin: unknown.

NM_001378969.1(KCND3):c.430G>A (p.Ala144Thr)

Gene: KCND3 (potassium voltage-gated channel subfamily D member 3; minus strand). Cytogenetic location: 1p13.2.
Variant type: single nucleotide variant.
Coding change: c.430G>A on transcript NM_001378969.1 (MANE Select); coding-DNA position 430, G replaced by A.
Protein change: p.Ala144Thr; replaces alanine 144 with threonine.
Molecular consequence: missense variant.
Genome position (GRCh38, 1-based): chr1:111,982,297, C>T on the plus strand (G>A on the coding strand, the complement: KCND3 is on the minus strand). VCF-style: chr1-111982297-C-T. GRCh37 (hg19) VCF-style: chr1-112524919-C-T.
Other names: c.430G>A, p.Ala144Thr (NM_001378970.1, NM_004980.5, NM_172198.3); short protein forms A144T.
Identifiers: ClinVar variation 804955 (VCV000804955.10), dbSNP rs143933558, ClinGen allele CA1007599.
Genomic context (GRCh38, chr1:111,982,297, plus strand): 5'-TGAGCGAGGGCATGGACTCCTGGTTGTTCTCCGAGTCGTTGTCGTCCATGAGCCGCTCGG[C>T]GTTCTCCCTCTTGCGGTCCTTGTACTCCTCGTAGCAGCAGTCCCCGATGATCTCCGGGAG-3'
Protein context (NP_001365898.1, residues 134-154): EEYKDRKREN[Ala144Thr]ERLMDDNDSE